The following is an entry in ClinVar:

ClinVar aggregate classification (germline): Benign/Likely benign. Review status: criteria provided, multiple submitters, no conflicts (2 of 4 stars). 5 submissions from 5 submitters: Benign (2); Likely benign (2). 1 of the submissions does not count toward it. Last evaluated 2026-09-01.

Conditions:
KMT2B-related disorder. Also called: KMT2B-related disorders; KMT2B-related condition. Identifiers: MedGen CN381338.

Allele frequency attached by ClinVar (database versions not stated): ESP Exome Variant Server 0.00050; gnomAD exomes 0.00052 and 0.00090; gnomAD 0.00053 and 0.00056; ExAC 0.00062; TOPMed 0.00063.
gnomAD v4.1: 1,384 of 1,612,714 alleles (0.086%); highest among the groups gnomAD compares: Non-Finnish European, 0.11%; 2 homozygotes.

Submissions (5):

CeGaT Center for Human Genetics Tuebingen
Classification: Likely benign. Last evaluated: 2026-09-01. Review status: criteria provided, single submitter. Criteria: CeGaT Center For Human Genetics Tuebingen Variant Classification Criteria Version 2. Collection method: clinical testing. Allele origin: germline. Affected: yes. Observed: 8 variant alleles.
Comment: KMT2B: BP4, BP7

Labcorp Genetics (formerly Invitae), Labcorp
Classification: Benign. Last evaluated: 2025-12-09. Review status: criteria provided, single submitter. Criteria: Invitae Variant Classification Sherloc (09022015). Collection method: clinical testing. Allele origin: germline.

Blueprint Genetics
Classification: Likely benign. Last evaluated: 2024-11-06. Review status: criteria provided, single submitter. Criteria: ACMG Guidelines, 2015. Collection method: clinical testing. Allele origin: germline.

GeneDx
Classification: Benign. Last evaluated: 2020-02-07. Review status: criteria provided, single submitter. Criteria: GeneDx Variant Classification Process June 2021. Collection method: clinical testing. Allele origin: germline. Affected: yes.

PreventionGenetics, part of Exact Sciences
Classification: Likely benign for KMT2B-related condition. Last evaluated: 2019-03-22. Review status: no assertion criteria provided. Collection method: clinical testing. Allele origin: germline. Not counted in ClinVar's aggregate classification.
Comment: This variant is classified as likely benign based on ACMG/AMP sequence variant interpretation guidelines (Richards et al. 2015 PMID: 25741868, with internal and published modifications).

NM_014727.3(KMT2B):c.6051C>T (p.His2017=)

Gene: KMT2B (lysine methyltransferase 2B; plus strand). Cytogenetic location: 19q13.12.
Variant type: single nucleotide variant.
Coding change: c.6051C>T on transcript NM_014727.3 (MANE Select); coding-DNA position 6051, C replaced by T.
Protein change: p.His2017=; no amino-acid change (histidine 2017 retained).
Molecular consequence: synonymous variant.
Genome position (GRCh38, 1-based): chr19:35,732,600, C>T. VCF-style: chr19-35732600-C-T. GRCh37 (hg19) VCF-style: chr19-36223501-C-T.
Identifiers: ClinVar variation 738380 (VCV000738380.36), dbSNP rs374561411, ClinGen allele CA9385594.